The following is an entry in ClinVar:

ClinVar aggregate classification (germline): Pathogenic (1 of 4 stars; one submission).

Conditions:
Congenital lipoid adrenal hyperplasia due to STAR deficency. Also called: ADRENAL HYPERPLASIA I; Cholesterol monooxygenase (side-chain cleaving) deficiency; Congenital Lipoid Adrenal Hyperplasia; Lipoid adrenal hyperplasia. Identifiers: Orphanet 418, Orphanet 90790, MedGen C0342474, MONDO:0008725, OMIM 201710.

Submission:

Myriad Genetics, Inc.
Classification: Pathogenic for Congenital lipoid adrenal hyperplasia due to STAR deficency. Last evaluated: 2023-09-27. Review status: criteria provided, single submitter. Criteria: Myriad Autosomal Dominant, Autosomal Recessive and X-Linked Classification Criteria (2023). Collection method: clinical testing. Allele origin: unknown.
Comment: NM_000349.2(STAR):c.511dupG(A171Gfs*13) is expected to be pathogenic in the context of lipoid congenital adrenal hyperplasia. This variant is predicted to lead to an abnormal or absent protein product due to the creation of a premature termination codon in STAR, a gene where loss-of-function variants are known to be pathogenic. Please note: this variant was assessed in the context of healthy population screening.

NM_000349.3(STAR):c.511dup (p.Ala171fs)

Gene: STAR (steroidogenic acute regulatory protein; minus strand). Cytogenetic location: 8p11.23.
Variant type: Duplication.
Coding change: c.511dup on transcript NM_000349.3 (MANE Select); coding-DNA position 511, one base duplicated (G; older notation c.511dupG).
Protein change: p.Ala171fs; shifts the reading frame from alanine 171.
Molecular consequence: frameshift variant.
Genome position (GRCh38, 1-based): chr8:38,146,102, C duplicated on the plus strand (G on the coding strand, the reverse complement: STAR is on the minus strand); the first of 2 consecutive C bases (chr8:38,146,102-38,146,103); duplicating either gives the same sequence. VCF-style (leftmost placement, unchanged base first): chr8-38146101-G-GC. GRCh37 (hg19) VCF-style: chr8-38003619-G-GC.
Other names: short protein forms A171fs.
Identifiers: ClinVar variation 5012103 (VCV005012103.1).